The following is an entry in ClinVar:

NM_001242896.3(DEPDC5):c.1666G>A (p.Asp556Asn)

Gene: DEPDC5 (DEP domain containing 5, GATOR1 subcomplex subunit; plus strand). Cytogenetic location: 22q12.3.
Variant type: single nucleotide variant.
Coding change: c.1666G>A on transcript NM_001242896.3 (MANE Select); coding-DNA position 1666, G replaced by A.
Protein change: p.Asp556Asn; replaces aspartic acid 556 with asparagine.
Molecular consequence: missense variant. On other transcripts: non-coding transcript variant (5).
Genome position (GRCh38, 1-based): chr22:31,815,212, G>A. VCF-style: chr22-31815212-G-A. GRCh37 (hg19) VCF-style: chr22-32211198-G-A.
Other names: c.1666G>A, p.Glu556Lys (NM_001007188.4); c.1666G>A, p.Asp556Asn (NM_001136029.4, NM_001242897.2, NM_001363852.2 and 6 more transcripts); c.1582G>A, p.Asp528Asn (NM_001369901.1, NM_001369902.1); short protein forms D556N, E556K, D528N.
Identifiers: ClinVar variation 421471 (VCV000421471.6), dbSNP rs1064795160, ClinGen allele CA16621107.
Genomic context (GRCh38, chr22:31,815,212, plus strand): 5'-CCACACCCCCACCTGCACCAGTATGAAGTCAGCAGCTCCTTGGGATACACCAGCACTCGA[G>A]GTAAGAGTGCTGAAGCACAGACAGAGCCAGGGACATCTTTCTTAATATAGTGGGTGACTG-3'
Protein context (NP_001229825.1, residues 546-566): SSSLGYTSTR[Asp556Asn]VLENMMEPPQ

ClinVar aggregate classification (germline): Uncertain significance. Review status: criteria provided, multiple submitters, no conflicts (2 of 4 stars). 2 submissions from 2 submitters: Uncertain significance (2). Last evaluated 2024-02-29.

Conditions:
Familial focal epilepsy with variable foci (FPEVF). Identifiers: Orphanet 98820, MedGen C1858477, MONDO:0020310.

Allele frequency attached by ClinVar (database versions not stated): gnomAD exomes below 0.00001; gnomAD 0.00001.

Submissions (2):

Labcorp Genetics (formerly Invitae), Labcorp
Classification: Uncertain significance for Familial focal epilepsy with variable foci. Last evaluated: 2024-02-29. Review status: criteria provided, single submitter. Criteria: Invitae Variant Classification Sherloc (09022015). Collection method: clinical testing. Allele origin: germline.
Comment: This sequence change replaces aspartic acid, which is acidic and polar, with asparagine, which is neutral and polar, at codon 556 of the DEPDC5 protein (p.Asp556Asn). This variant also falls at the last nucleotide of exon 21, which is part of the consensus splice site for this exon. This variant is present in population databases (no rsID available, gnomAD 0.003%). This variant has not been reported in the literature in individuals affected with DEPDC5-related conditions. ClinVar contains an entry for this variant (Variation ID: 421471). Experimental studies and prediction algorithms are not available or were not evaluated, and the functional significance of this variant is currently unknown. Variants that disrupt the consensus splice site are a relatively common cause of aberrant splicing (PMID: 17576681, 9536098). In summary, the available evidence is currently insufficient to determine the role of this variant in disease. Therefore, it has been classified as a Variant of Uncertain Significance.

GeneDx
Classification: Uncertain significance. Last evaluated: 2016-06-14. Review status: criteria provided, single submitter. Criteria: GeneDx Variant Classification (06012015). Collection method: clinical testing. Allele origin: germline. Affected: yes.
Comment: The D556N variant in the DEPDC5 gene has not been reported previously as a pathogenic variant, nor as a benign variant, to our knowledge. The D556N variant was not observed in approximately 6,100 individuals of European and African American ancestry in the NHLBI Exome Sequencing Project, indicating it is not a common benign variant in these populations. The D556N variant is a semi-conservative amino acid substitution, which may impact secondary protein structure as these residues differ in some properties. This substitution occurs at a position where amino acids with similar properties to Aspartic acid are tolerated across species. In silico analysis is inconsistent in its predictions as to whether or not the variant is damaging to the protein structure/function. We interpret D556N as a variant of uncertain significance.

Literature cited by the submitters: PubMed 17576681 (cited by Labcorp Genetics (formerly Invitae), Labcorp); PubMed 9536098 (cited by Labcorp Genetics (formerly Invitae), Labcorp).